The following is an entry in ClinVar:

NM_015046.7(SETX):c.2416G>A (p.Asp806Asn)

Gene: SETX (senataxin; minus strand). Cytogenetic location: 9q34.13.
Variant type: single nucleotide variant.
Coding change: c.2416G>A on transcript NM_015046.7 (MANE Select); coding-DNA position 2416, G replaced by A.
Protein change: p.Asp806Asn; replaces aspartic acid 806 with asparagine.
Molecular consequence: missense variant.
Genome position (GRCh38, 1-based): chr9:132,329,182, C>T on the plus strand (G>A on the coding strand, the complement: SETX is on the minus strand). VCF-style: chr9-132329182-C-T. GRCh37 (hg19) VCF-style: chr9-135204569-C-T.
Other names: c.2416G>A, p.Asp806Asn (NM_001351527.2, NM_001351528.2); short protein forms D806N.
Identifiers: ClinVar variation 2063129 (VCV002063129.5), dbSNP rs778406422, ClinGen allele CA5297595.

ClinVar aggregate classification (germline): Conflicting classifications of pathogenicity. Review status: criteria provided, conflicting classifications (1 of 4 stars). 2 submissions from 2 submitters: Uncertain significance (1); Benign (1). Last evaluated 2023-04-12.

Conditions:
Amyotrophic lateral sclerosis type 4 (ALS4). Also called: AMYOTROPHIC LATERAL SCLEROSIS 4, JUVENILE; NEURONOPATHY, DISTAL HEREDITARY MOTOR, WITH PYRAMIDAL FEATURES. Identifiers: Orphanet 357043, MedGen C1865409, MONDO:0011223, OMIM 602433.
Spinocerebellar ataxia, autosomal recessive, with axonal neuropathy 2 (SCAN2). Also called: Ataxia-ocular apraxia-2; Ataxia with Oculomotor Apraxia; Ataxia with Oculomotor Apraxia Type 2; ATAXIA-OCULOMOTOR APRAXIA 2. Identifiers: Orphanet 64753, MedGen C1853761, MONDO:0018996, OMIM 606002.
SETX-related disorder. Also called: SETX-related condition; SETX-related disorders. Identifiers: MedGen CN239403.

Allele frequency attached by ClinVar (database versions not stated): gnomAD 0.00001; TOPMed 0.00001; ExAC 0.00002; gnomAD exomes 0.00002.
gnomAD v4.1: 30 of 1,613,044 alleles (0.0019%); highest among the groups gnomAD compares: East Asian, 0.011%; no homozygotes.

Submissions (2):

Labcorp Genetics (formerly Invitae), Labcorp
Classification: Benign for Amyotrophic lateral sclerosis type 4; Spinocerebellar ataxia, autosomal recessive, with axonal neuropathy 2. Last evaluated: 2023-04-12. Review status: criteria provided, single submitter. Criteria: Invitae Variant Classification Sherloc (09022015). Collection method: clinical testing. Allele origin: germline.

PreventionGenetics, part of Exact Sciences
Classification: Uncertain significance for SETX-related condition. Last evaluated: 2023-04-10. Review status: criteria provided, single submitter. Criteria: ACMG Guidelines, 2015. Collection method: clinical testing. Allele origin: germline.
Comment: The SETX c.2416G>A variant is predicted to result in the amino acid substitution p.Asp806Asn. To our knowledge, this variant has not been reported in the literature. This variant is reported in 0.0054% of alleles in individuals of East Asian descent in gnomAD. At this time, the clinical significance of this variant is uncertain due to the absence of conclusive functional and genetic evidence.